The following is an entry in ClinVar:

NM_198578.4(LRRK2):c.3067C>G (p.Leu1023Val)

Gene: LRRK2 (leucine rich repeat kinase 2; plus strand). Cytogenetic location: 12q12.
Variant type: single nucleotide variant.
Coding change: c.3067C>G on transcript NM_198578.4 (MANE Select); coding-DNA position 3067, C replaced by G.
Protein change: p.Leu1023Val; replaces leucine 1023 with valine.
Molecular consequence: missense variant.
Genome position (GRCh38, 1-based): chr12:40,295,615, C>G. VCF-style: chr12-40295615-C-G. GRCh37 (hg19) VCF-style: chr12-40689417-C-G.
Other names: short protein forms L1023V.
Identifiers: ClinVar variation 1799436 (VCV001799436.2), dbSNP rs2499729895, ClinGen allele CA384413052.

ClinVar aggregate classification (germline): Uncertain significance (1 of 4 stars; one submission).

Conditions:
Inborn genetic diseases. Identifiers: MedGen C0950123, MeSH D030342.

Submission:

Ambry Genetics
Classification: Uncertain significance for Inborn genetic diseases. Last evaluated: 2022-09-11. Review status: criteria provided, single submitter. Criteria: Ambry Variant Classification Scheme 2023. Collection method: clinical testing. Allele origin: germline.
Comment: The p.L1023V variant (also known as c.3067C>G), located in coding exon 23 of the LRRK2 gene, results from a C to G substitution at nucleotide position 3067. The leucine at codon 1023 is replaced by valine, an amino acid with highly similar properties. This amino acid position is conserved. In addition, the in silico prediction for this alteration is inconclusive. Since supporting evidence is limited at this time, the clinical significance of this alteration remains unclear.